The following is an entry in ClinVar:

NM_000548.5(TSC2):c.3608C>A (p.Thr1203Lys)

Gene: TSC2 (TSC complex subunit 2; plus strand). Cytogenetic location: 16p13.3.
Variant type: single nucleotide variant.
Coding change: c.3608C>A on transcript NM_000548.5 (MANE Select); coding-DNA position 3608, C replaced by A.
Protein change: p.Thr1203Lys; replaces threonine 1203 with lysine.
Molecular consequence: missense variant.
Genome position (GRCh38, 1-based): chr16:2,080,375, C>A. VCF-style: chr16-2080375-C-A. GRCh37 (hg19) VCF-style: chr16-2130376-C-A.
Other names: c.3476C>A, p.Thr1159Lys (NM_001077183.3, NM_001370404.1); c.3608C>A, p.Thr1203Lys (NM_001114382.3); c.3368C>A, p.Thr1123Lys (NM_001318827.2); c.3332C>A, p.Thr1111Lys (NM_001318829.2); c.2876C>A, p.Thr959Lys (NM_001318831.2); c.3509C>A, p.Thr1170Lys (NM_001318832.2); c.3479C>A, p.Thr1160Lys (NM_001363528.2, NM_001370405.1, NM_021055.3); short protein forms T1203K, T1111K, T1123K, T1170K, T959K, T1160K, T1159K.
Identifiers: ClinVar variation 65046 (VCV000065046.3), dbSNP rs397515030, ClinGen allele CA019338.

ClinVar aggregate classification (germline): Uncertain significance. Review status: criteria provided, single submitter (1 of 4 stars). 2 submissions from 2 submitters: Uncertain significance (1). 1 of the submissions does not count toward it. Last evaluated 2025-09-13.

Conditions:
Tuberous sclerosis 2 (TSC2). Identifiers: Orphanet 805, MedGen C1860707, MONDO:0013199, OMIM 613254.
Tuberous sclerosis syndrome (TSC). Also called: Tuberous Sclerosis Complex; Tuberous sclerosis. Identifiers: Orphanet 805, MedGen C0041341, MONDO:0001734.

Submissions (2):

Labcorp Genetics (formerly Invitae), Labcorp
Classification: Uncertain significance for Tuberous sclerosis 2. Last evaluated: 2025-09-13. Review status: criteria provided, single submitter. Criteria: Invitae Variant Classification Sherloc (09022015). Collection method: clinical testing. Allele origin: germline.
Comment: This sequence change replaces threonine, which is neutral and polar, with lysine, which is basic and polar, at codon 1203 of the TSC2 protein (p.Thr1203Lys). This variant is not present in population databases (gnomAD no frequency). This missense change has been observed in individual(s) with clinical features of tuberous sclerosis complex (internal data). ClinVar contains an entry for this variant (Variation ID: 65046). An algorithm developed to predict the effect of missense changes on protein structure and function (PolyPhen-2) suggests that this variant is likely to be disruptive. Experimental studies have shown that this missense change affects TSC2 function (PMID: 22903760). This variant disrupts the p.Thr1203 amino acid residue in TSC2. Other variant(s) that disrupt this residue have been determined to be pathogenic (PMID: 34489640). This suggests that this residue is clinically significant, and that variants that disrupt this residue are likely to be disease-causing. In summary, the available evidence is currently insufficient to determine the role of this variant in disease. Therefore, it has been classified as a Variant of Uncertain Significance.

Tuberous sclerosis database (TSC2)
No classification provided. Condition: TSC. Review status: no classification provided. Criteria: Tuberous Sclerosis Database Assertion Criteria 2015. Collection method: curation. Allele origin: germline. Affected: yes. Not counted in ClinVar's aggregate classification.

Literature cited by the submitters: PubMed 22903760 (cited by Labcorp Genetics (formerly Invitae), Labcorp); PubMed 34489640 (cited by Labcorp Genetics (formerly Invitae), Labcorp).